The following is an entry in ClinVar:

NM_022489.4(INF2):c.3625A>G (p.Arg1209Gly)

Gene: INF2 (inverted formin 2; plus strand). Cytogenetic location: 14q32.33.
Variant type: single nucleotide variant.
Coding change: c.3625A>G on transcript NM_022489.4 (MANE Select); coding-DNA position 3625, A replaced by G.
Protein change: p.Arg1209Gly; replaces arginine 1209 with glycine.
Molecular consequence: missense variant.
Genome position (GRCh38, 1-based): chr14:104,714,787, A>G. VCF-style: chr14-104714787-A-G. GRCh37 (hg19) VCF-style: chr14-105181124-A-G.
Other names: c.3625A>G, p.Arg1209Gly (NM_001031714.4); short protein forms R1209G.
Identifiers: ClinVar variation 540047 (VCV000540047.9), dbSNP rs989477091, ClinGen allele CA267330977.

ClinVar aggregate classification (germline): Uncertain significance. Review status: criteria provided, multiple submitters, no conflicts (2 of 4 stars). 2 submissions from 2 submitters: Uncertain significance (2). Last evaluated 2025-02-27.

Conditions:
Focal segmental glomerulosclerosis 5 (FSGS5). Identifiers: Orphanet 656, MedGen C2750475, MONDO:0013191, OMIM 613237.
Charcot-Marie-Tooth disease dominant intermediate E. Also called: CHARCOT-MARIE-TOOTH NEUROPATHY WITH FOCAL SEGMENTAL GLOMERULONEPHRITIS. Identifiers: Orphanet 93114, MedGen C4302667, MONDO:0013758, OMIM 614455.

Allele frequency attached by ClinVar (database versions not stated): gnomAD 0.00001; gnomAD exomes 0.00001; TOPMed 0.00002.
gnomAD v4.1: 11 of 1,598,852 alleles (0.00069%); highest among the groups gnomAD compares: Non-Finnish European, 0.00094%; no homozygotes.

Submissions (2):

Labcorp Genetics (formerly Invitae), Labcorp
Classification: Uncertain significance for Charcot-Marie-Tooth disease dominant intermediate E; Focal segmental glomerulosclerosis 5. Last evaluated: 2025-02-27. Review status: criteria provided, single submitter. Criteria: Invitae Variant Classification Sherloc (09022015). Collection method: clinical testing. Allele origin: germline.
Comment: This sequence change replaces arginine, which is basic and polar, with glycine, which is neutral and non-polar, at codon 1209 of the INF2 protein (p.Arg1209Gly). This variant is not present in population databases (gnomAD no frequency). This variant has not been reported in the literature in individuals affected with INF2-related conditions. ClinVar contains an entry for this variant (Variation ID: 540047). Invitae Evidence Modeling of protein sequence and biophysical properties (such as structural, functional, and spatial information, amino acid conservation, physicochemical variation, residue mobility, and thermodynamic stability) indicates that this missense variant is not expected to disrupt INF2 protein function with a negative predictive value of 95%. In summary, the available evidence is currently insufficient to determine the role of this variant in disease. Therefore, it has been classified as a Variant of Uncertain Significance.

Fulgent Genetics
Classification: Uncertain significance for Focal segmental glomerulosclerosis 5; Charcot-Marie-Tooth disease dominant intermediate E. Last evaluated: 2021-09-16. Review status: criteria provided, single submitter. Criteria: ACMG Guidelines, 2015. Collection method: clinical testing. Allele origin: unknown.